The following is an entry in ClinVar:

ClinVar aggregate classification (germline): Likely benign. Review status: criteria provided, multiple submitters, no conflicts (2 of 4 stars). 3 submissions from 3 submitters: Likely benign (3). Last evaluated 2026-01-28.

Conditions:
Malignant hyperthermia, susceptibility to, 5 (MHS5). Also called: CACNA1S-Related Malignant Hyperthermia Susceptibility. Identifiers: Orphanet 423, MedGen C1866077, MONDO:0011163, OMIM 601887.
Hypokalemic periodic paralysis, type 1. Also called: Hypokalemic Periodic Paralysis Type 1 (AD); HypoPP. Identifiers: Orphanet 681, MedGen C3714580, MONDO:0042979, OMIM 170400.

Allele frequency attached by ClinVar (database versions not stated): ExAC 0.00008; TOPMed 0.00008; gnomAD 0.00010; gnomAD exomes 0.00010; ESP Exome Variant Server 0.00015.
gnomAD v4.1: 161 of 1,613,460 alleles (0.01%); highest among the groups gnomAD compares: Non-Finnish European, 0.013%; 1 homozygote.

Submissions (3):

Labcorp Genetics (formerly Invitae), Labcorp
Classification: Likely benign for Hypokalemic periodic paralysis, type 1; Malignant hyperthermia, susceptibility to, 5. Last evaluated: 2026-01-28. Review status: criteria provided, single submitter. Criteria: Invitae Variant Classification Sherloc (09022015). Collection method: clinical testing. Allele origin: germline.

All of Us Research Program, National Institutes of Health
Classification: Likely benign for Malignant hyperthermia, susceptibility to, 5. Last evaluated: 2024-01-05. Review status: criteria provided, single submitter. Criteria: ACMG Guidelines, 2015. Collection method: clinical testing. Allele origin: germline. Inheritance: Autosomal dominant inheritance. Observed: 16 variant alleles, 16 heterozygotes.
Comment: This study involves interpretation of variants in research participants for the purpose of population health screening. Participant phenotype was not available at the time of variant classification. Additional details can be found in publication PMID: 35346344, PMCID: PMC8962531

Color Diagnostics, LLC DBA Color Health
Classification: Likely benign for Malignant hyperthermia, susceptibility to, 5. Last evaluated: 2022-12-08. Review status: criteria provided, single submitter. Criteria: ACMG Guidelines, 2015. Collection method: clinical testing. Allele origin: germline.

NM_000069.3(CACNA1S):c.2228-14C>T

Gene: CACNA1S (calcium voltage-gated channel subunit alpha1 S; minus strand). Cytogenetic location: 1q32.1.
Variant type: single nucleotide variant.
Coding change: c.2228-14C>T on transcript NM_000069.3 (MANE Select); 14 bases into the intron before coding-DNA position 2228, C replaced by T.
Molecular consequence: intron variant.
Genome position (GRCh38, 1-based): chr1:201,070,418, G>A on the plus strand (C>T on the coding strand, the complement: CACNA1S is on the minus strand). VCF-style: chr1-201070418-G-A. GRCh37 (hg19) VCF-style: chr1-201039546-G-A.
Identifiers: ClinVar variation 2161164 (VCV002161164.6), dbSNP rs367666100, ClinGen allele CA078888.